The following is an entry in ClinVar:

NM_004369.4(COL6A3):c.7669-2del

Gene: COL6A3 (collagen type VI alpha 3 chain; minus strand). Cytogenetic location: 2q37.3.
Variant type: Deletion.
Coding change: c.7669-2del on transcript NM_004369.4 (MANE Select); the canonical splice acceptor site of the intron before coding-DNA position 7669, one base deleted (A; older notation c.7669-2delA).
Molecular consequence: splice acceptor variant.
Genome position (GRCh38, 1-based): chr2:237,342,163, T deleted on the plus strand (A on the coding strand, the reverse complement: COL6A3 is on the minus strand). VCF-style (leftmost placement, unchanged base first): chr2-237342162-CT-C. GRCh37 (hg19) VCF-style: chr2-238250805-CT-C.
Other names: c.7669-2delA (NM_004369.3); c.5848-2del (NM_057166.5); c.7051-2del (NM_057167.4).
Identifiers: ClinVar variation 417888 (VCV000417888.3), dbSNP rs764193290, ClinGen allele CA2187731.

ClinVar aggregate classification (germline): Pathogenic/Likely pathogenic. Review status: no assertion criteria provided (0 of 4 stars). 2 submissions from 2 submitters: Pathogenic (1); Likely pathogenic (1). Last evaluated 2023-12-27.

Conditions:
COL6A3-related disorder. Also called: COL6A3-related disorders; COL6A3-related condition.
Bethlem myopathy 1A. Also called: Bethlem myopathy 1; MYOPATHY, BENIGN CONGENITAL, WITH CONTRACTURES; Bethlem Muscular Dystrophy. Identifiers: Orphanet 610, MedGen CN029274, MONDO:0024530, OMIM 158810.
Dystonia 27 (DYT27). Identifiers: Orphanet 464440, MedGen C4225336, MONDO:0014627, OMIM 616411.
Ullrich congenital muscular dystrophy 1A. Also called: Ullrich congenital muscular dystrophy 1; Intermediate COL6-RD. Identifiers: Orphanet 75840, MedGen C0410179, MONDO:0009681, OMIM 254090.

Allele frequency attached by ClinVar (database versions not stated): gnomAD exomes below 0.00001 and 0.00001; TOPMed below 0.00001; ExAC 0.00001; ESP Exome Variant Server 0.00008.

Submissions (2):

PreventionGenetics, part of Exact Sciences
Classification: Pathogenic for COL6A3-related condition. Last evaluated: 2023-12-27. Review status: no assertion criteria provided. Collection method: clinical testing. Allele origin: germline.
Comment: The COL6A3 c.7669-2delA variant is predicted to result in a deletion affecting a canonical splice site. This variant has been reported in the compound heterozygous state in an individual with Bethlem myopathy (Table S1, Sframeli et al. 2017. PubMed ID: 28688748). This variant is reported in 0.00088% of alleles in individuals of European (Non-Finnish) descent in gnomAD. Variants that impact the splice acceptor site are expected to be pathogenic. This variant is interpreted as pathogenic.

Division of Human Genetics, Children's Hospital of Philadelphia
Classification: Likely pathogenic for Dystonia 27; Ullrich congenital muscular dystrophy 1A; Bethlem myopathy 1A. Last evaluated: 2016-02-10. Review status: no assertion criteria provided. Collection method: research. Allele origin: maternal. Affected: yes. Study: CSER-PediSeq.